The following is an entry in ClinVar:

ClinVar aggregate classification (germline): Uncertain significance (1 of 4 stars; one submission).

Conditions:
Inborn genetic diseases. Identifiers: MedGen C0950123, MeSH D030342.

gnomAD v4.1: 1 of 1,614,112 alleles (0.000062%); highest among the groups gnomAD compares: Non-Finnish European, 0.000085%; no homozygotes.

Submission:

Ambry Genetics
Classification: Uncertain significance for Inborn genetic diseases. Last evaluated: 2026-07-07. Review status: criteria provided, single submitter. Criteria: Ambry Variant Classification Scheme 2023. Collection method: clinical testing. Allele origin: germline.
Comment: The p.E516K variant (also known as c.1546G>A), located in coding exon 14 of the RYR1 gene, results from a G to A substitution at nucleotide position 1546. The glutamic acid at codon 516 is replaced by lysine, an amino acid with similar properties. This amino acid position is conserved. In addition, the in silico prediction for this alteration is inconclusive. Based on the available evidence, the clinical significance of this variant remains unclear.

NM_000540.3(RYR1):c.1546G>A (p.Glu516Lys)

Genes: RYR1 (ryanodine receptor 1; plus strand), LOC129391106 (MPRA-validated peak3472 silencer; plus strand). Cytogenetic location: 19q13.2.
Variant type: single nucleotide variant.
Coding change: c.1546G>A on transcript NM_000540.3 (MANE Select); coding-DNA position 1546, G replaced by A.
Protein change: p.Glu516Lys; replaces glutamic acid 516 with lysine.
Molecular consequence: missense variant.
Genome position (GRCh38, 1-based): chr19:38,455,340, G>A. VCF-style: chr19-38455340-G-A. GRCh37 (hg19) VCF-style: chr19-38945980-G-A.
Other names: c.1546G>A, p.Glu516Lys (NM_001042723.2); short protein forms E516K.
Identifiers: ClinVar variation 5028642 (VCV005028642.1).